The following is an entry in ClinVar:

ClinVar aggregate classification (germline): Uncertain significance (1 of 4 stars; one submission).

Conditions:
Developmental and epileptic encephalopathy, 21 (DEE21). Also called: Early infantile epileptic encephalopathy 21. Identifiers: Orphanet 442835, MedGen C4014430, MONDO:0014360, OMIM 615833.

Allele frequency attached by ClinVar (database versions not stated): gnomAD exomes below 0.00001.
gnomAD v4.1: 1 of 1,614,180 alleles (0.000062%); highest among the groups gnomAD compares: Non-Finnish European, 0.000085%; no homozygotes.

Submission:

Labcorp Genetics (formerly Invitae), Labcorp
Classification: Uncertain significance for Developmental and epileptic encephalopathy, 21. Last evaluated: 2019-03-13. Review status: criteria provided, single submitter. Criteria: Invitae Variant Classification Sherloc (09022015). Collection method: clinical testing. Allele origin: germline.
Comment: In summary, the available evidence is currently insufficient to determine the role of this variant in disease. Therefore, it has been classified as a Variant of Uncertain Significance. Algorithms developed to predict the effect of missense changes on protein structure and function (SIFT, PolyPhen-2, Align-GVGD) all suggest that this variant is likely to be tolerated, but these predictions have not been confirmed by published functional studies and their clinical significance is uncertain. This variant has not been reported in the literature in individuals with NECAP1-related conditions. This variant is not present in population databases (ExAC no frequency). This sequence change replaces glutamine with leucine at codon 265 of the NECAP1 protein (p.Gln265Leu). The glutamine residue is moderately conserved and there is a moderate physicochemical difference between glutamine and leucine.

NM_015509.4(NECAP1):c.794A>T (p.Gln265Leu)

Gene: NECAP1 (NECAP endocytosis associated 1; plus strand). Cytogenetic location: 12p13.31.
Variant type: single nucleotide variant.
Coding change: c.794A>T on transcript NM_015509.4 (MANE Select); coding-DNA position 794, A replaced by T.
Protein change: p.Gln265Leu; replaces glutamine 265 with leucine.
Molecular consequence: missense variant. On other transcripts: non-coding transcript variant (1).
Genome position (GRCh38, 1-based): chr12:8,096,056, A>T. VCF-style: chr12-8096056-A-T. GRCh37 (hg19) VCF-style: chr12-8248652-A-T.
Other names: short protein forms Q265L.
Identifiers: ClinVar variation 847619 (VCV000847619.9), dbSNP rs1427000545, ClinGen allele CA383802982.